The following is an entry in ClinVar:

NM_001379500.1(COL18A1):c.1959+1G>T

Gene: COL18A1 (collagen type XVIII alpha 1 chain; plus strand). Cytogenetic location: 21q22.3.
Variant type: single nucleotide variant.
Coding change: c.1959+1G>T on transcript NM_001379500.1 (MANE Select); the canonical splice donor site of the intron after coding-DNA position 1959, G replaced by T.
Molecular consequence: splice donor variant.
Genome position (GRCh38, 1-based): chr21:45,489,522, G>T. VCF-style: chr21-45489522-G-T. GRCh37 (hg19) VCF-style: chr21-46909436-G-T.
Other names: c.3204+1G>T (NM_130444.3); c.2499+1G>T (NM_030582.4).
Identifiers: ClinVar variation 2034110 (VCV002034110.4), dbSNP rs2036225419, ClinGen allele CA410496678.
Genomic context (GRCh38, chr21:45,489,522, plus strand): 5'-CACGGAGCCCCTTTTTTCACTTAGGGGGATCCTGGCGTGCCTGGGCTGCCGGGGGCGAAG[G>T]TAAGCGCTGTGCCCGGGTTCAGGGACGTGGCCAGGCAGAGGCAGGGAGGGCCCAGCCGGA-3'

ClinVar aggregate classification (germline): Likely pathogenic (1 of 4 stars; one submission).

Submission:

Labcorp Genetics (formerly Invitae), Labcorp
Classification: Likely pathogenic. Last evaluated: 2022-10-04. Review status: criteria provided, single submitter. Criteria: Invitae Variant Classification Sherloc (09022015). Collection method: clinical testing. Allele origin: germline.
Comment: This variant is not present in population databases (gnomAD no frequency). This sequence change affects a donor splice site in intron 19 of the COL18A1 gene. It is expected to disrupt RNA splicing. Variants that disrupt the donor or acceptor splice site typically lead to a loss of protein function (PMID: 16199547), and loss-of-function variants in COL18A1 are known to be pathogenic (PMID: 12415512, 25456301). This variant has not been reported in the literature in individuals affected with COL18A1-related conditions. Algorithms developed to predict the effect of sequence changes on RNA splicing suggest that this variant may disrupt the consensus splice site. In summary, the currently available evidence indicates that the variant is pathogenic, but additional data are needed to prove that conclusively. Therefore, this variant has been classified as Likely Pathogenic.

Literature cited by the submitters: PubMed 16199547; PubMed 12415512; PubMed 25456301.